The following is an entry in ClinVar:

ClinVar aggregate classification (germline): Uncertain significance. Review status: criteria provided, multiple submitters, no conflicts (2 of 4 stars). 4 submissions from 4 submitters: Uncertain significance (4). Last evaluated 2025-06-19.

Conditions:
MCM3AP-related disorder. Also called: MCM3AP-related condition.
Inborn genetic diseases. Identifiers: MedGen C0950123, MeSH D030342.

Allele frequency attached by ClinVar (database versions not stated): gnomAD exomes 0.00001 and 0.00003; ExAC 0.00003; TOPMed 0.00014; ESP Exome Variant Server 0.00015; gnomAD 0.00017 and 0.00019.
gnomAD v4.1: 41 of 1,614,044 alleles (0.0025%); highest among the groups gnomAD compares: African/African-American, 0.043%; no homozygotes.

Submissions (4):

PreventionGenetics, part of Exact Sciences
Classification: Uncertain significance for MCM3AP-related condition. Last evaluated: 2025-06-19. Review status: criteria provided, single submitter. Criteria: ACMG Guidelines, 2015. Collection method: clinical testing. Allele origin: germline.
Comment: The MCM3AP c.208G>T variant is predicted to result in the amino acid substitution p.Val70Leu. To our knowledge, this variant has not been reported in the literature. This variant is reported in 0.048% of alleles in individuals of African descent in gnomAD. At this time, the clinical significance of this variant is uncertain due to the absence of conclusive functional and genetic evidence.

GeneDx
Classification: Uncertain significance. Last evaluated: 2024-05-01. Review status: criteria provided, single submitter. Criteria: GeneDx Variant Classification Process June 2021. Collection method: clinical testing. Allele origin: germline. Affected: yes.
Comment: In silico analysis indicates that this missense variant does not alter protein structure/function; Has not been previously published as pathogenic or benign to our knowledge

Ambry Genetics
Classification: Uncertain significance for Inborn genetic diseases. Last evaluated: 2024-01-23. Review status: criteria provided, single submitter. Criteria: Ambry Variant Classification Scheme 2023. Collection method: clinical testing. Allele origin: germline.

Labcorp Genetics (formerly Invitae), Labcorp
Classification: Uncertain significance. Last evaluated: 2022-08-21. Review status: criteria provided, single submitter. Criteria: Invitae Variant Classification Sherloc (09022015). Collection method: clinical testing. Allele origin: germline.
Comment: This sequence change replaces valine, which is neutral and non-polar, with leucine, which is neutral and non-polar, at codon 70 of the MCM3AP protein (p.Val70Leu). This variant is present in population databases (rs369577339, gnomAD 0.05%). This variant has not been reported in the literature in individuals affected with MCM3AP-related conditions. ClinVar contains an entry for this variant (Variation ID: 1383113). Algorithms developed to predict the effect of missense changes on protein structure and function output the following: SIFT: "Tolerated"; PolyPhen-2: "Benign"; Align-GVGD: "Class C0". The leucine amino acid residue is found in multiple mammalian species, which suggests that this missense change does not adversely affect protein function. In summary, the available evidence is currently insufficient to determine the role of this variant in disease. Therefore, it has been classified as a Variant of Uncertain Significance.

NM_003906.5(MCM3AP):c.208G>T (p.Val70Leu)

Gene: MCM3AP (minichromosome maintenance complex component 3 associated protein; minus strand). Cytogenetic location: 21q22.3.
Variant type: single nucleotide variant.
Coding change: c.208G>T on transcript NM_003906.5 (MANE Select); coding-DNA position 208, G replaced by T.
Protein change: p.Val70Leu; replaces valine 70 with leucine.
Molecular consequence: missense variant.
Genome position (GRCh38, 1-based): chr21:46,285,079, C>A on the plus strand (G>T on the coding strand, the complement: MCM3AP is on the minus strand). VCF-style: chr21-46285079-C-A. GRCh37 (hg19) VCF-style: chr21-47704993-C-A.
Other names: c.208G>T (NM_003906.4, NM_003906.3); short protein forms V70L.
Identifiers: ClinVar variation 1383113 (VCV001383113.6), dbSNP rs369577339, ClinGen allele CA10077395.